The following is an entry in ClinVar:

ClinVar aggregate classification (germline): Likely benign (1 of 4 stars; one submission).

Submission:

CeGaT Center for Human Genetics Tuebingen
Classification: Likely benign. Last evaluated: 2026-05-01. Review status: criteria provided, single submitter. Criteria: CeGaT Center For Human Genetics Tuebingen Variant Classification Criteria Version 2. Collection method: clinical testing. Allele origin: germline. Affected: yes. Observed: 1 variant allele.
Comment: ONECUT3: PM2:Supporting, BP4, BP7

NM_001080488.2(ONECUT3):c.759A>T (p.Gly253=)

Gene: ONECUT3 (one cut homeobox 3; plus strand). Cytogenetic location: 19p13.3.
Variant type: single nucleotide variant.
Coding change: c.759A>T on transcript NM_001080488.2 (MANE Select); coding-DNA position 759, A replaced by T.
Protein change: p.Gly253=; no amino-acid change (glycine 253 retained).
Molecular consequence: synonymous variant.
Genome position (GRCh38, 1-based): chr19:1,754,421, A>T. VCF-style: chr19-1754421-A-T. GRCh37 (hg19) VCF-style: chr19-1754420-A-T.
Identifiers: ClinVar variation 4873854 (VCV004873854.2).